The following is an entry in ClinVar:

ClinVar aggregate classification (germline): Benign. Review status: criteria provided, multiple submitters, no conflicts (2 of 4 stars). 3 submissions from 3 submitters: Benign (3). Last evaluated 2020-02-03.

Conditions:
Bartter disease type 1. Also called: HYPERPROSTAGLANDIN E SYNDROME 1; HYPOKALEMIC ALKALOSIS WITH HYPERCALCIURIA 1, ANTENATAL; Bartter syndrome, type 1, antenatal; Bartter Syndrome type 1. Identifiers: Orphanet 112, Orphanet 620217, MedGen C1866495, MONDO:0100344, OMIM 601678, MONDO:0011127.

Allele frequency attached by ClinVar (database versions not stated): gnomAD exomes 0.00352; gnomAD 0.03333 and 0.03546; TOPMed 0.03682; 1000 Genomes Project 0.04113; 1000 Genomes Project 30x 0.04357.
gnomAD v4.1: 6,922 of 649,058 alleles (1.1%); highest among the groups gnomAD compares: African/African-American, 12%; 398 homozygotes.

Submissions (3):

GeneDx
Classification: Benign. Last evaluated: 2020-02-03. Review status: criteria provided, single submitter. Criteria: GeneDx Variant Classification Process June 2021. Collection method: clinical testing. Allele origin: germline. Affected: yes.

Illumina Laboratory Services, Illumina
Classification: Benign for Bartter disease type 1. Last evaluated: 2018-01-12. Review status: criteria provided, single submitter. Criteria: ICSL Variant Classification Criteria 13 December 2019. Collection method: clinical testing. Allele origin: germline.
Comment: This variant was observed in the ICSL laboratory as part of a predisposition screen in an ostensibly healthy population. It had not been previously curated by ICSL or reported in the Human Gene Mutation Database (HGMD: prior to June 1st, 2018), and was therefore a candidate for classification through an automated scoring system. Utilizing variant allele frequency, disease prevalence and penetrance estimates, and inheritance mode, an automated score was calculated to assess if this variant is too frequent to cause the disease. Based on the score and internal cut-off values, a variant classified as benign is not then subjected to further curation. The score for this variant resulted in a classification of benign for this disease.

Breakthrough Genomics
Classification: Benign. Review status: criteria provided, single submitter. Criteria: ACMG Guidelines, 2015. Collection method: not provided. Allele origin: germline. Inheritance: Autosomal recessive inheritance. Affected: yes.

NM_000338.3(SLC12A1):c.*126T>C

Gene: SLC12A1 (solute carrier family 12 member 1; plus strand). Cytogenetic location: 15q21.1.
Variant type: single nucleotide variant.
Coding change: c.*126T>C on transcript NM_000338.3 (MANE Select); 126 bases downstream of the stop codon, T replaced by C.
Molecular consequence: 3 prime UTR variant.
Genome position (GRCh38, 1-based): chr15:48,303,011, T>C. VCF-style: chr15-48303011-T-C. GRCh37 (hg19) VCF-style: chr15-48595208-T-C.
Other names: c.*126T>C (NM_001184832.2).
Identifiers: ClinVar variation 316286 (VCV000316286.8), dbSNP rs7165179, ClinGen allele CA10646139.